The following is an entry in ClinVar:

NM_020754.4(ARHGAP31):c.3850G>A (p.Glu1284Lys)

Gene: ARHGAP31 (Rho GTPase activating protein 31; plus strand). Cytogenetic location: 3q13.33.
Variant type: single nucleotide variant.
Coding change: c.3850G>A on transcript NM_020754.4 (MANE Select); coding-DNA position 3850, G replaced by A.
Protein change: p.Glu1284Lys; replaces glutamic acid 1284 with lysine.
Molecular consequence: missense variant.
Genome position (GRCh38, 1-based): chr3:119,415,779, G>A. VCF-style: chr3-119415779-G-A. GRCh37 (hg19) VCF-style: chr3-119134626-G-A.
Other names: short protein forms E1284K.
Identifiers: ClinVar variation 2692536 (VCV002692536.1), dbSNP rs760750468, ClinGen allele CA2554266.

ClinVar aggregate classification (germline): Uncertain significance (1 of 4 stars; one submission).

Allele frequency attached by ClinVar (database versions not stated): gnomAD exomes below 0.00001; TOPMed below 0.00001; ExAC 0.00001.

Submission:

Greenwood Genetic Center Diagnostic Laboratories, Greenwood Genetic Center
Classification: Uncertain significance. Last evaluated: 2023-10-10. Review status: criteria provided, single submitter. Criteria: ACMG Guidelines, 2015. Collection method: clinical testing. Allele origin: germline. Affected: yes.
Comment: PM2, BP4